The following is an entry in ClinVar:

ClinVar aggregate classification (germline): Uncertain significance (1 of 4 stars; one submission).

Conditions:
Inborn genetic diseases. Identifiers: MedGen C0950123, MeSH D030342.

Submission:

Ambry Genetics
Classification: Uncertain significance for Inborn genetic diseases. Last evaluated: 2024-07-31. Review status: criteria provided, single submitter. Criteria: Ambry Variant Classification Scheme 2023. Collection method: clinical testing. Allele origin: germline.
Comment: The p.T615I variant (also known as c.1844C>T), located in coding exon 16 of the LRRK2 gene, results from a C to T substitution at nucleotide position 1844. The threonine at codon 615 is replaced by isoleucine, an amino acid with similar properties. This amino acid position is conserved. In addition, this alteration is predicted to be tolerated by in silico analysis. Based on the available evidence, the clinical significance of this variant remains unclear.

NM_198578.4(LRRK2):c.1844C>T (p.Thr615Ile)

Gene: LRRK2 (leucine rich repeat kinase 2; plus strand). Cytogenetic location: 12q12.
Variant type: single nucleotide variant.
Coding change: c.1844C>T on transcript NM_198578.4 (MANE Select); coding-DNA position 1844, C replaced by T.
Protein change: p.Thr615Ile; replaces threonine 615 with isoleucine.
Molecular consequence: missense variant.
Genome position (GRCh38, 1-based): chr12:40,274,896, C>T. VCF-style: chr12-40274896-C-T. GRCh37 (hg19) VCF-style: chr12-40668698-C-T.
Other names: short protein forms T615I.
Identifiers: ClinVar variation 3540597 (VCV003540597.1).